The following is an entry in ClinVar:

NM_016938.5(EFEMP2):c.256G>A (p.Ala86Thr)

Gene: EFEMP2 (EGF-like fibulin extracellular matrix protein 2; minus strand). Cytogenetic location: 11q13.1.
Variant type: single nucleotide variant.
Coding change: c.256G>A on transcript NM_016938.5 (MANE Select); coding-DNA position 256, G replaced by A.
Protein change: p.Ala86Thr; replaces alanine 86 with threonine.
Molecular consequence: missense variant. On other transcripts: non-coding transcript variant (1).
Genome position (GRCh38, 1-based): chr11:65,871,268, C>T on the plus strand (G>A on the coding strand, the complement: EFEMP2 is on the minus strand). VCF-style: chr11-65871268-C-T. GRCh37 (hg19) VCF-style: chr11-65638739-C-T.
Other names: short protein forms A86T.
Identifiers: ClinVar variation 1793222 (VCV001793222.3), dbSNP rs776088168, ClinGen allele CA223978519.

ClinVar aggregate classification (germline): Uncertain significance. Review status: criteria provided, multiple submitters, no conflicts (2 of 4 stars). 2 submissions from 2 submitters: Uncertain significance (2). Last evaluated 2023-03-01.

Conditions:
Cardiovascular phenotype. Identifiers: MedGen CN230736.

Allele frequency attached by ClinVar (database versions not stated): TOPMed below 0.00001.

Submissions (2):

Blueprint Genetics
Classification: Uncertain significance. Last evaluated: 2023-03-01. Review status: criteria provided, single submitter. Criteria: ACMG Guidelines, 2015. Collection method: clinical testing. Allele origin: germline.

Ambry Genetics
Classification: Uncertain significance for Cardiovascular phenotype. Last evaluated: 2021-08-07. Review status: criteria provided, single submitter. Criteria: Ambry Variant Classification Scheme 2023. Collection method: clinical testing. Allele origin: germline.
Comment: The p.A86T variant (also known as c.256G>A), located in coding exon 3 of the EFEMP2 gene, results from a G to A substitution at nucleotide position 256. The alanine at codon 86 is replaced by threonine, an amino acid with similar properties. This amino acid position is conserved. In addition, this alteration is predicted to be tolerated by in silico analysis. Since supporting evidence is limited at this time, the clinical significance of this alteration remains unclear.